The following is an entry in ClinVar:

ClinVar aggregate classification (germline): Uncertain significance (1 of 4 stars; one submission).

gnomAD v4.1: 4 of 1,614,168 alleles (0.00025%); highest among the groups gnomAD compares: Non-Finnish European, 0.00034%; no homozygotes.

Submission:

Labcorp Genetics (formerly Invitae), Labcorp
Classification: Uncertain significance. Last evaluated: 2024-01-09. Review status: criteria provided, single submitter. Criteria: Invitae Variant Classification Sherloc (09022015). Collection method: clinical testing. Allele origin: germline.
Comment: This sequence change replaces proline, which is neutral and non-polar, with leucine, which is neutral and non-polar, at codon 5 of the UCHL1 protein (p.Pro5Leu). This variant is not present in population databases (gnomAD no frequency). This variant has not been reported in the literature in individuals affected with UCHL1-related conditions. An algorithm developed to predict the effect of missense changes on protein structure and function (PolyPhen-2) suggests that this variant is likely to be disruptive. In summary, the available evidence is currently insufficient to determine the role of this variant in disease. Therefore, it has been classified as a Variant of Uncertain Significance.

NM_004181.5(UCHL1):c.14C>T (p.Pro5Leu)

Gene: UCHL1 (ubiquitin C-terminal hydrolase L1; plus strand). Cytogenetic location: 4p13.
Variant type: single nucleotide variant.
Coding change: c.14C>T on transcript NM_004181.5 (MANE Select); coding-DNA position 14, C replaced by T.
Protein change: p.Pro5Leu; replaces proline 5 with leucine.
Molecular consequence: missense variant.
Genome position (GRCh38, 1-based): chr4:41,256,990, C>T. VCF-style: chr4-41256990-C-T. GRCh37 (hg19) VCF-style: chr4-41259007-C-T.
Other names: short protein forms P5L.
Identifiers: ClinVar variation 2958453 (VCV002958453.3), dbSNP rs991106482, ClinGen allele CA356731474.